The following is an entry in ClinVar:

NM_000639.3(FASLG):c.415G>A (p.Glu139Lys)

Gene: FASLG (Fas ligand; plus strand). Cytogenetic location: 1q24.3.
Variant type: single nucleotide variant.
Coding change: c.415G>A on transcript NM_000639.3 (MANE Select); coding-DNA position 415, G replaced by A.
Protein change: p.Glu139Lys; replaces glutamic acid 139 with lysine.
Molecular consequence: missense variant. On other transcripts: synonymous variant (1).
Genome position (GRCh38, 1-based): chr1:172,664,354, G>A. VCF-style: chr1-172664354-G-A. GRCh37 (hg19) VCF-style: chr1-172633494-G-A.
Other names: c.369G>A, p.Leu123= (NM_001302746.2); short protein forms E139K.
Identifiers: ClinVar variation 2153422 (VCV002153422.1), dbSNP rs745583712, ClinGen allele CA1247562.

ClinVar aggregate classification (germline): Uncertain significance (1 of 4 stars; one submission).

Conditions:
Autoimmune lymphoproliferative syndrome type 1. Also called: AUTOIMMUNE LYMPHOPROLIFERATIVE SYNDROME, TYPE I, AUTOSOMAL DOMINANT. Identifiers: Orphanet 3261, MedGen C2717884, MONDO:0011158, OMIM 601859.

Allele frequency attached by ClinVar (database versions not stated): gnomAD exomes 0.00001; gnomAD 0.00001; TOPMed 0.00001; ExAC 0.00001.
gnomAD v4.1: 20 of 1,613,714 alleles (0.0012%); highest among the groups gnomAD compares: Non-Finnish European, 0.0017%; no homozygotes.

Submission:

Labcorp Genetics (formerly Invitae), Labcorp
Classification: Uncertain significance for Autoimmune lymphoproliferative syndrome. Last evaluated: 2022-07-11. Review status: criteria provided, single submitter. Criteria: Invitae Variant Classification Sherloc (09022015). Collection method: clinical testing. Allele origin: germline.
Comment: This sequence change replaces glutamic acid, which is acidic and polar, with lysine, which is basic and polar, at codon 139 of the FASLG protein (p.Glu139Lys). This variant is present in population databases (rs745583712, gnomAD 0.002%). This variant has not been reported in the literature in individuals affected with FASLG-related conditions. Algorithms developed to predict the effect of missense changes on protein structure and function (SIFT, PolyPhen-2, Align-GVGD) all suggest that this variant is likely to be tolerated. In summary, the available evidence is currently insufficient to determine the role of this variant in disease. Therefore, it has been classified as a Variant of Uncertain Significance.